The following is an entry in ClinVar:

NM_001378615.1(CC2D2A):c.590T>C (p.Phe197Ser)

Genes: CC2D2A (coiled-coil and C2 domain containing 2A; plus strand), FBXL5 (F-box and leucine rich repeat protein 5; minus strand). Cytogenetic location: 4p15.32.
Variant type: single nucleotide variant.
Coding change: c.590T>C on transcript NM_001378615.1 (MANE Select); coding-DNA position 590, T replaced by C.
Protein change: p.Phe197Ser; replaces phenylalanine 197 with serine.
Molecular consequence: missense variant.
Genome position (GRCh38, 1-based): chr4:15,511,296, T>C. VCF-style: chr4-15511296-T-C. GRCh37 (hg19) VCF-style: chr4-15512919-T-C.
Other names: c.590T>C, p.Phe197Ser (NM_001080522.2); c.443T>C, p.Phe148Ser (NM_001378617.1); short protein forms F148S, F197S.
Identifiers: ClinVar variation 1500240 (VCV001500240.5), dbSNP rs200761243, ClinGen allele CA2863447.

ClinVar aggregate classification (germline): Uncertain significance (1 of 4 stars; one submission).

Conditions:
Joubert syndrome. Also called: JOUBERT-BOLTSHAUSER SYNDROME; Familial aplasia of the vermis. Identifiers: Orphanet 475, MedGen C5979921, MONDO:0018772.
Meckel-Gruber syndrome. Also called: DYSENCEPHALIA SPLANCHNOCYSTICA; GRUBER SYNDROME; Dysencephalia splachnocystica. Identifiers: Orphanet 564, MedGen C0265215, MONDO:0018921.

Allele frequency attached by ClinVar (database versions not stated): gnomAD 0.00001; TOPMed 0.00001; gnomAD exomes 0.00003; ExAC 0.00009.
gnomAD v4.1: 46 of 1,600,864 alleles (0.0029%); highest among the groups gnomAD compares: Non-Finnish European, 0.0035%; no homozygotes.

Submission:

Labcorp Genetics (formerly Invitae), Labcorp
Classification: Uncertain significance for Joubert syndrome; Meckel-Gruber syndrome. Last evaluated: 2022-01-13. Review status: criteria provided, single submitter. Criteria: Invitae Variant Classification Sherloc (09022015). Collection method: clinical testing. Allele origin: germline.
Comment: This sequence change replaces phenylalanine, which is neutral and non-polar, with serine, which is neutral and polar, at codon 197 of the CC2D2A protein (p.Phe197Ser). This variant is present in population databases (rs200761243, gnomAD 0.007%). This variant has not been reported in the literature in individuals affected with CC2D2A-related conditions. Algorithms developed to predict the effect of missense changes on protein structure and function are either unavailable or do not agree on the potential impact of this missense change (SIFT: "Deleterious"; PolyPhen-2: "Benign"; Align-GVGD: "Class C0"). In summary, the available evidence is currently insufficient to determine the role of this variant in disease. Therefore, it has been classified as a Variant of Uncertain Significance.